The following is an entry in ClinVar:

ClinVar aggregate classification (germline): Uncertain significance (1 of 4 stars; one submission).

Submission:

Women's Health and Genetics/Laboratory Corporation of America, LabCorp
Classification: Uncertain significance. Last evaluated: 2020-11-12. Review status: criteria provided, single submitter. Criteria: LabCorp Variant Classification Summary - May 2015. Collection method: clinical testing. Allele origin: germline.
Comment: Variant summary: FAM175A c.977T>C (p.Met326Thr) results in a non-conservative amino acid change in the encoded protein sequence. Four of five in-silico tools predict a damaging effect of the variant on protein function. The variant was absent in 251358 control chromosomes (gnomAD). The available data on variant occurrences in the general population are insufficient to allow any conclusion about variant significance. To our knowledge, no occurrence of c.977T>C in individuals affected with Hereditary Breast And Ovarian Cancer Syndrome and no experimental evidence demonstrating its impact on protein function have been reported. No clinical diagnostic laboratories have submitted clinical-significance assessments for this variant to ClinVar after 2014. Based on the evidence outlined above, the variant was classified as uncertain significance.

NM_139076.3(ABRAXAS1):c.977T>C (p.Met326Thr)

Gene: ABRAXAS1 (abraxas 1, BRCA1 A complex subunit; minus strand). Cytogenetic location: 4q21.23.
Variant type: single nucleotide variant.
Coding change: c.977T>C on transcript NM_139076.3 (MANE Select); coding-DNA position 977, T replaced by C.
Protein change: p.Met326Thr; replaces methionine 326 with threonine.
Molecular consequence: missense variant.
Genome position (GRCh38, 1-based): chr4:83,462,722, A>G on the plus strand (T>C on the coding strand, the complement: ABRAXAS1 is on the minus strand). VCF-style: chr4-83462722-A-G. GRCh37 (hg19) VCF-style: chr4-84383875-A-G.
Other names: c.650T>C, p.Met217Thr (NM_001345962.2); short protein forms M217T, M326T.
Identifiers: ClinVar variation 987877 (VCV000987877.1), dbSNP rs1722176448, ClinGen allele CA357255667.